The following is an entry in ClinVar:

ClinVar aggregate classification (germline): Uncertain significance (1 of 4 stars; one submission).

gnomAD v4.1: 19 of 645,478 alleles (0.0029%); highest among the groups gnomAD compares: Admixed American, 0.019%; no homozygotes.

Submission:

Women's Health and Genetics/Laboratory Corporation of America, LabCorp
Classification: Uncertain significance. Last evaluated: 2024-07-09. Review status: criteria provided, single submitter. Criteria: LabCorp Variant Classification Summary - May 2015. Collection method: clinical testing. Allele origin: germline.
Comment: Variant summary: LITAF c.*192C>T is located in the untranslated mRNA region downstream of the termination codon. The variant allele was found at a frequency of 9.2e-05 in 141000 control chromosomes. This frequency is not significantly higher than estimated for a pathogenic variant in LITAF causing Charcot-Marie Disease Type 1C, allowing no conclusion about variant significance. To our knowledge, no occurrence of c.*192C>T in individuals affected with Charcot-Marie Disease Type 1C and no experimental evidence demonstrating its impact on protein function have been reported. No submitters have cited clinical-significance assessments for this variant to ClinVar. Based on the evidence outlined above, the variant was classified as uncertain significance.

NM_001136472.2(LITAF):c.*192C>T

Gene: LITAF (lipopolysaccharide induced TNF factor; minus strand). Cytogenetic location: 16p13.13.
Variant type: single nucleotide variant.
Coding change: c.*192C>T on transcript NM_001136472.2 (MANE Select); 192 bases downstream of the stop codon, C replaced by T.
Molecular consequence: 3 prime UTR variant. On other transcripts: non-coding transcript variant (1).
Genome position (GRCh38, 1-based): chr16:11,549,445, G>A on the plus strand (C>T on the coding strand, the complement: LITAF is on the minus strand). VCF-style: chr16-11549445-G-A. GRCh37 (hg19) VCF-style: chr16-11643301-G-A.
Other names: c.*317C>T (NM_001136473.1); c.*192C>T (NM_004862.4).
Identifiers: ClinVar variation 3339030 (VCV003339030.1).